The following is an entry in ClinVar:

NM_001111125.3(IQSEC2):c.3396C>T (p.Gly1132=)

Gene: IQSEC2 (IQ motif and Sec7 domain ArfGEF 2; minus strand). Cytogenetic location: Xp11.22.
Variant type: single nucleotide variant.
Coding change: c.3396C>T on transcript NM_001111125.3 (MANE Select); coding-DNA position 3396, C replaced by T.
Protein change: p.Gly1132=; no amino-acid change (glycine 1132 retained).
Molecular consequence: synonymous variant.
Genome position (GRCh38, 1-based): chrX:53,236,377, G>A on the plus strand (C>T on the coding strand, the complement: IQSEC2 is on the minus strand). VCF-style: chrX-53236377-G-A. GRCh37 (hg19) VCF-style: chrX-53265559-G-A.
Other names: c.2781C>T, p.Gly927= (NM_015075.2).
Identifiers: ClinVar variation 1063972 (VCV001063972.17), dbSNP rs782725826, ClinGen allele CA10419806.

ClinVar aggregate classification (germline): Conflicting classifications of pathogenicity. Review status: criteria provided, conflicting classifications (1 of 4 stars). 3 submissions from 3 submitters: Uncertain significance (2); Benign (1). Last evaluated 2022-08-09.

Conditions:
Intellectual developmental disorder, X-linked 1. Also called: Atkin Flaitz Patil Smith syndrome; Intellectual disability, X-linked 1; MENTAL RETARDATION, X-LINKED 18; MENTAL RETARDATION, X-LINKED 78. Identifiers: Orphanet 777, MedGen C2931498, MONDO:0010656, OMIM 309530.

Allele frequency attached by ClinVar (database versions not stated): gnomAD 0.00001; ExAC 0.00002; gnomAD exomes 0.00001.
gnomAD v4.1: 5 of 1,207,396 alleles (0.00041%); highest among the groups gnomAD compares: East Asian, 0.003%; no homozygotes.

Submissions (3):

Labcorp Genetics (formerly Invitae), Labcorp
Classification: Benign for Intellectual developmental disorder, X-linked 1. Last evaluated: 2022-08-09. Review status: criteria provided, single submitter. Criteria: Invitae Variant Classification Sherloc (09022015). Collection method: clinical testing. Allele origin: germline.

Blueprint Genetics
Classification: Uncertain significance. Last evaluated: 2019-12-20. Review status: criteria provided, single submitter. Criteria: ACMG Guidelines, 2015. Collection method: clinical testing. Allele origin: germline.

Kids Neuroscience Centre, Sydney Children's Hospitals Network
Classification: Uncertain significance for Intellectual developmental disorder, X-linked 1. Review status: criteria provided, single submitter. Criteria: Bournazos AM et al. (Genet Med 2021). Collection method: clinical testing. Allele origin: maternal. Inheritance: X-linked inheritance. Affected: yes. Observed: 1 hemizygote.
Comment: No evidence for mis-splicing of IQSEC2 transcripts in mRNA from whole blood. RT-PCR provided evidence for normal splicing of the IQSEC2 c.3396T variant allele as inferred by robust heterozygous expression of the c.3396T (variant) and c.3396C (reference) alleles in the unaffected mother and no observed mis-splicing in the hemizygous proband.